The following is an entry in ClinVar:

NM_139343.3(BIN1):c.958G>A (p.Gly320Ser)

Gene: BIN1 (bridging integrator 1; minus strand). Cytogenetic location: 2q14.3.
Variant type: single nucleotide variant.
Coding change: c.958G>A on transcript NM_139343.3 (MANE Select); coding-DNA position 958, G replaced by A.
Protein change: p.Gly320Ser; replaces glycine 320 with serine.
Molecular consequence: missense variant.
Genome position (GRCh38, 1-based): chr2:127,059,055, C>T on the plus strand (G>A on the coding strand, the complement: BIN1 is on the minus strand). VCF-style: chr2-127059055-C-T. GRCh37 (hg19) VCF-style: chr2-127816631-C-T.
Other names: c.958G>A (NM_139343.2); c.910G>A, p.Gly304Ser (NM_001320632.2, NM_004305.4, NM_139346.3); c.958G>A, p.Gly320Ser (NM_001320633.2, NM_001320640.2, NM_139344.3 and 1 more transcripts); c.793G>A, p.Gly265Ser (NM_001320634.1); c.865G>A, p.Gly289Ser (NM_001320641.2, NM_139347.3, NM_139348.3 and 3 more transcripts); c.877G>A, p.Gly293Ser (NM_001320642.1); short protein forms G320S, G265S, G293S, G304S, G289S.
Identifiers: ClinVar variation 2906988 (VCV002906988.4), dbSNP rs200878822, ClinGen allele CA1857227.

ClinVar aggregate classification (germline): Conflicting classifications of pathogenicity. Review status: criteria provided, conflicting classifications (1 of 4 stars). 2 submissions from 2 submitters: Uncertain significance (1); Likely benign (1). Last evaluated 2025-06-07.

Conditions:
Myopathy, centronuclear, 2 (CNM2). Also called: MYOTUBULAR MYOPATHY, AUTOSOMAL RECESSIVE. Identifiers: Orphanet 169186, MedGen CN031787, MONDO:0009709, OMIM 255200.
Inborn genetic diseases. Identifiers: MedGen C0950123, MeSH D030342.

Allele frequency attached by ClinVar (database versions not stated): gnomAD exomes below 0.00001; gnomAD 0.00001; TOPMed 0.00001; 1000 Genomes Project 30x 0.00016; 1000 Genomes Project 0.00020.
gnomAD v4.1: 9 of 1,575,568 alleles (0.00057%); highest among the groups gnomAD compares: Admixed American, 0.0019%; no homozygotes.

Submissions (2):

Ambry Genetics
Classification: Likely benign for Inborn genetic diseases. Last evaluated: 2025-06-07. Review status: criteria provided, single submitter. Criteria: Ambry Variant Classification Scheme 2023. Collection method: clinical testing. Allele origin: germline.

Labcorp Genetics (formerly Invitae), Labcorp
Classification: Uncertain significance for Myopathy, centronuclear, 2. Last evaluated: 2023-03-08. Review status: criteria provided, single submitter. Criteria: Invitae Variant Classification Sherloc (09022015). Collection method: clinical testing. Allele origin: germline.
Comment: In summary, the available evidence is currently insufficient to determine the role of this variant in disease. Therefore, it has been classified as a Variant of Uncertain Significance. Advanced modeling of protein sequence and biophysical properties (such as structural, functional, and spatial information, amino acid conservation, physicochemical variation, residue mobility, and thermodynamic stability) performed at Invitae indicates that this missense variant is not expected to disrupt BIN1 protein function. This variant has not been reported in the literature in individuals affected with BIN1-related conditions. This variant is not present in population databases (gnomAD no frequency). This sequence change replaces glycine, which is neutral and non-polar, with serine, which is neutral and polar, at codon 320 of the BIN1 protein (p.Gly320Ser).